The following is an entry in ClinVar:

ClinVar aggregate classification (germline): Uncertain significance (0 of 4 stars; one submission).

Conditions:
BBS10-related disorder. Also called: BBS10-related condition.

Submission:

PreventionGenetics, part of Exact Sciences
Classification: Uncertain significance for BBS10-related condition. Last evaluated: 2024-02-16. Review status: no assertion criteria provided. Collection method: clinical testing. Allele origin: germline.
Comment: The BBS10 c.1804G>A variant is predicted to result in the amino acid substitution p.Val602Ile. To our knowledge, this variant has not been reported in the literature or in a large population database, indicating this variant is rare. At this time, the clinical significance of this variant is uncertain due to the absence of conclusive functional and genetic evidence.

NM_024685.4(BBS10):c.1804G>A (p.Val602Ile)

Gene: BBS10 (Bardet-Biedl syndrome 10; minus strand). Cytogenetic location: 12q21.2.
Variant type: single nucleotide variant.
Coding change: c.1804G>A on transcript NM_024685.4 (MANE Select); coding-DNA position 1804, G replaced by A.
Protein change: p.Val602Ile; replaces valine 602 with isoleucine.
Molecular consequence: missense variant.
Genome position (GRCh38, 1-based): chr12:76,346,181, C>T on the plus strand (G>A on the coding strand, the complement: BBS10 is on the minus strand). VCF-style: chr12-76346181-C-T. GRCh37 (hg19) VCF-style: chr12-76739961-C-T.
Other names: short protein forms V602I.
Identifiers: ClinVar variation 3348085 (VCV003348085.1).
Genomic context (GRCh38, chr12:76,346,181, plus strand): 5'-GGCATTTTTTGGCATAATTGAGAAGATAGTAATGTAACAAGATCTCAAAATTACCACCTA[C>T]TGGCAAAACACAACCAGCTGGCATAGATGAGGAAAGGTAACTCTGGGAAGTACCCATATT-3'
Protein context (NP_078961.3, residues 592-612): SSMPAGCVLP[Val602Ile]GGNFEILLHY